The following is an entry in ClinVar:

ClinVar aggregate classification (germline): Uncertain significance (1 of 4 stars; one submission).

Conditions:
Primary ciliary dyskinesia. Also called: Ciliary dyskinesia. Identifiers: Orphanet 244, MedGen C0008780, MONDO:0016575, HP:0012265.

Submission:

Labcorp Genetics (formerly Invitae), Labcorp
Classification: Uncertain significance for Primary ciliary dyskinesia. Last evaluated: 2022-08-16. Review status: criteria provided, single submitter. Criteria: Invitae Variant Classification Sherloc (09022015). Collection method: clinical testing. Allele origin: germline.
Comment: This variant has not been reported in the literature in individuals affected with CCDC40-related conditions. This variant is not present in population databases (gnomAD no frequency). This sequence change replaces methionine, which is neutral and non-polar, with isoleucine, which is neutral and non-polar, at codon 496 of the CCDC40 protein (p.Met496Ile). ClinVar contains an entry for this variant (Variation ID: 1502942). In summary, the available evidence is currently insufficient to determine the role of this variant in disease. Therefore, it has been classified as a Variant of Uncertain Significance. Algorithms developed to predict the effect of missense changes on protein structure and function (SIFT, PolyPhen-2, Align-GVGD) all suggest that this variant is likely to be tolerated.

NM_017950.4(CCDC40):c.1488G>A (p.Met496Ile)

Gene: CCDC40 (coiled-coil domain 40 molecular ruler complex subunit; plus strand). Cytogenetic location: 17q25.3.
Variant type: single nucleotide variant.
Coding change: c.1488G>A on transcript NM_017950.4 (MANE Select); coding-DNA position 1488, G replaced by A.
Protein change: p.Met496Ile; replaces methionine 496 with isoleucine.
Molecular consequence: missense variant.
Genome position (GRCh38, 1-based): chr17:80,065,532, G>A. VCF-style: chr17-80065532-G-A. GRCh37 (hg19) VCF-style: chr17-78039331-G-A.
Other names: c.1488G>A, p.Met496Ile (NM_001243342.2, NM_001330508.2); short protein forms M496I.
Identifiers: ClinVar variation 1502942 (VCV001502942.8), dbSNP rs774462299, ClinGen allele CA401326801.
Genomic context (GRCh38, chr17:80,065,532, plus strand): 5'-CTGTTGGCTGCAGGCCTGCACCGAGATCGACGCCATCAGCGTGGAGAAGAGGCGCATCAT[G>A]CAGCAATGGGCCAGCAGCCTGGTGGGCATGAAGCACCGCGACGAGGCGCACAGGGCGGTG-3'
Protein context (NP_060420.2, residues 486-506): DAISVEKRRI[Met496Ile]QQWASSLVGM